The following is an entry in ClinVar:

NM_001042424.3(NSD2):c.1565A>G (p.Asn522Ser)

Gene: NSD2 (nuclear receptor binding SET domain protein 2; plus strand). Cytogenetic location: 4p16.3.
Variant type: single nucleotide variant.
Coding change: c.1565A>G on transcript NM_001042424.3 (MANE Select); coding-DNA position 1565, A replaced by G.
Protein change: p.Asn522Ser; replaces asparagine 522 with serine.
Molecular consequence: missense variant.
Genome position (GRCh38, 1-based): chr4:1,935,153, A>G. VCF-style: chr4-1935153-A-G. GRCh37 (hg19) VCF-style: chr4-1936880-A-G.
Other names: c.1565A>G, p.Asn522Ser (NM_007331.2, NM_133330.3, NM_133331.3 and 2 more transcripts); short protein forms N522S.
Identifiers: ClinVar variation 1966601 (VCV001966601.5), dbSNP rs766849084, ClinGen allele CA2812133.
Genomic context (GRCh38, chr4:1,935,153, plus strand): 5'-GCAGCTTTTGGAGTGGTTTTCATGTACATTTTCCCCATTCCCCATTCCAAGGTAATGTAA[A>G]TGGGAAAAAAAGAAACCACACAAAGAGGATACAGGACCCTACAGAAGATGCTGAAGCTGA-3'
Protein context (NP_001035889.1, residues 512-532): VQAEEDSGNV[Asn522Ser]GKKRNHTKRI

ClinVar aggregate classification (germline): Uncertain significance (1 of 4 stars; one submission).

Allele frequency attached by ClinVar (database versions not stated): TOPMed below 0.00001; ExAC 0.00001; gnomAD 0.00001; gnomAD exomes 0.00001.
gnomAD v4.1: 4 of 1,610,056 alleles (0.00025%); highest among the groups gnomAD compares: Non-Finnish European, 0.00034%; no homozygotes.

Submission:

Labcorp Genetics (formerly Invitae), Labcorp
Classification: Uncertain significance. Last evaluated: 2022-02-21. Review status: criteria provided, single submitter. Criteria: Invitae Variant Classification Sherloc (09022015). Collection method: clinical testing. Allele origin: germline.
Comment: This variant has not been reported in the literature in individuals affected with WHSC1-related conditions. This variant is present in population databases (rs766849084, gnomAD 0.0009%). This sequence change replaces asparagine, which is neutral and polar, with serine, which is neutral and polar, at codon 522 of the WHSC1 protein (p.Asn522Ser). Algorithms developed to predict the effect of missense changes on protein structure and function output the following: SIFT: "Tolerated"; PolyPhen-2: "Benign"; Align-GVGD: "Class C0". The serine amino acid residue is found in multiple mammalian species, which suggests that this missense change does not adversely affect protein function. In summary, the available evidence is currently insufficient to determine the role of this variant in disease. Therefore, it has been classified as a Variant of Uncertain Significance. Algorithms developed to predict the effect of sequence changes on RNA splicing suggest that this variant may create or strengthen a splice site.